The following is an entry in ClinVar:

ClinVar aggregate classification (germline): Benign. Review status: criteria provided, multiple submitters, no conflicts (2 of 4 stars). 2 submissions from 2 submitters: Benign (2). Last evaluated 2018-06-14.

Allele frequency attached by ClinVar (database versions not stated): 1000 Genomes Project 30x 0.03982; 1000 Genomes Project 0.04054; TOPMed 0.07235; gnomAD 0.08195 and 0.08365; gnomAD exomes 0.09786.
gnomAD v4.1: 48,207 of 517,352 alleles (9.3%); highest among the groups gnomAD compares: Non-Finnish European, 12%; 2,721 homozygotes.

Submissions (2):

GeneDx
Classification: Benign. Last evaluated: 2018-06-14. Review status: criteria provided, single submitter. Criteria: GeneDx Variant Classification (06012015). Collection method: clinical testing. Allele origin: germline. Affected: yes.
Comment: This variant is considered likely benign or benign based on one or more of the following criteria: it is a conservative change, it occurs at a poorly conserved position in the protein, it is predicted to be benign by multiple in silico algorithms, and/or has population frequency not consistent with disease.

Breakthrough Genomics
Classification: Benign. Review status: criteria provided, single submitter. Criteria: ACMG Guidelines, 2015. Collection method: not provided. Allele origin: germline. Inheritance: Autosomal recessive inheritance. Affected: yes.

NM_025150.5(TARS2):c.387+238A>G

Gene: TARS2 (threonyl-tRNA synthetase 2, mitochondrial; plus strand). Cytogenetic location: 1q21.2.
Variant type: single nucleotide variant.
Coding change: c.387+238A>G on transcript NM_025150.5 (MANE Select); 238 bases into the intron after coding-DNA position 387, A replaced by G.
Molecular consequence: intron variant.
Genome position (GRCh38, 1-based): chr1:150,489,325, A>G. VCF-style: chr1-150489325-A-G. GRCh37 (hg19) VCF-style: chr1-150461801-A-G.
Other names: c.387+238A>G (NM_001271895.2, NM_001271896.2).
Identifiers: ClinVar variation 680802 (VCV000680802.2), dbSNP rs12142874, ClinGen allele CA10780863.